The following is an entry in ClinVar:

ClinVar aggregate classification (germline): Uncertain significance. Review status: criteria provided, multiple submitters, no conflicts (2 of 4 stars). 2 submissions from 2 submitters: Uncertain significance (2). Last evaluated 2022-06-22.

Conditions:
Dilated cardiomyopathy 1J (CMD1J). Also called: CARDIOMYOPATHY, DILATED, WITH SENSORINEURAL HEARING LOSS, AUTOSOMAL DOMINANT. Identifiers: Orphanet 217622, MedGen C1854368, MONDO:0011541, OMIM 605362.
Cardiovascular phenotype. Identifiers: MedGen CN230736.

Submissions (2):

Ambry Genetics
Classification: Uncertain significance for Cardiovascular phenotype. Last evaluated: 2022-06-22. Review status: criteria provided, single submitter. Criteria: Ambry Variant Classification Scheme 2023. Collection method: clinical testing. Allele origin: germline.
Comment: The p.N321H variant (also known as c.961A>C), located in coding exon 10 of the EYA4 gene, results from an A to C substitution at nucleotide position 961. The asparagine at codon 321 is replaced by histidine, an amino acid with similar properties. This amino acid position is conserved. In addition, this alteration is predicted to be tolerated by in silico analysis. Since supporting evidence is limited at this time, the clinical significance of this alteration remains unclear.

Labcorp Genetics (formerly Invitae), Labcorp
Classification: Uncertain significance for Dilated cardiomyopathy 1J. Last evaluated: 2020-11-27. Review status: criteria provided, single submitter. Criteria: Invitae Variant Classification Sherloc (09022015). Collection method: clinical testing. Allele origin: germline.
Comment: In summary, the available evidence is currently insufficient to determine the role of this variant in disease. Therefore, it has been classified as a Variant of Uncertain Significance. Algorithms developed to predict the effect of missense changes on protein structure and function (SIFT, PolyPhen-2, Align-GVGD) all suggest that this variant is likely to be tolerated, but these predictions have not been confirmed by published functional studies and their clinical significance is uncertain. This variant has not been reported in the literature in individuals with EYA4-related conditions. This variant is not present in population databases (ExAC no frequency). This sequence change replaces asparagine with histidine at codon 321 of the EYA4 protein (p.Asn321His). The asparagine residue is weakly conserved and there is a small physicochemical difference between asparagine and histidine.

NM_004100.5(EYA4):c.961A>C (p.Asn321His)

Gene: EYA4 (EYA transcriptional coactivator and phosphatase 4; plus strand). Cytogenetic location: 6q23.2.
Variant type: single nucleotide variant.
Coding change: c.961A>C on transcript NM_004100.5 (MANE Select); coding-DNA position 961, A replaced by C.
Protein change: p.Asn321His; replaces asparagine 321 with histidine.
Molecular consequence: missense variant.
Genome position (GRCh38, 1-based): chr6:133,468,722, A>C. VCF-style: chr6-133468722-A-C. GRCh37 (hg19) VCF-style: chr6-133789860-A-C.
Other names: c.799A>C, p.Asn267His (NM_001301012.2, NM_001370459.1); c.961A>C, p.Asn321His (NM_001301013.2, NM_172105.4); c.892A>C, p.Asn298His (NM_001370458.1, NM_172103.4); short protein forms N321H, N267H, N298H.
Identifiers: ClinVar variation 1502893 (VCV001502893.10), dbSNP rs202049252, ClinGen allele CA148051478.
Genomic context (GRCh38, chr6:133,468,722, plus strand): 5'-GATGGCACACCCTCTTCAACCTCTACTTATCAGTTGCAGGAATCTCTCCCAGGACTGACT[A>C]ACCAACCAGGTACAGATCTTCACCCAGGTGAAATACTTTTATATGTTTTGCAATATCTAA-3'
Protein context (NP_004091.3, residues 311-331): QLQESLPGLT[Asn321His]QPGEFDTMQS